The following is an entry in ClinVar:

NM_001378452.1(ITPR1):c.7605_7606del (p.Thr2535_Cys2536insTer)

Genes: ITPR1 (inositol 1,4,5-trisphosphate receptor type 1; plus strand), LOC126806590 (MED14-independent group 3 enhancer GRCh37_chr3:4855759-4856958; plus strand). Cytogenetic location: 3p26.1.
Variant type: Deletion.
Coding change: c.7605_7606del on transcript NM_001378452.1 (MANE Select); coding-DNA positions 7605 to 7606, 2 bases deleted (AT; older notation c.7605_7606delAT).
Protein change: p.Thr2535_Cys2536insTer.
Molecular consequence: frameshift variant.
Genome position (GRCh38, 1-based): chr3:4,814,466-4,814,467, AT deleted. VCF-style (leftmost placement, unchanged base first): chr3-4814465-CAT-C. GRCh37 (hg19) VCF-style: chr3-4856149-CAT-C.
Other names: c.7461_7462del, p.Thr2487_Cys2488insTer (NM_001099952.4); c.7560_7561del, p.Thr2520_Cys2521insTer (NM_001168272.2); c.7416_7417del, p.Thr2472_Cys2473insTer (NM_002222.7).
Identifiers: ClinVar variation 1251958 (VCV001251958.1), dbSNP rs2106492882, ClinGen allele CA2499216804.

ClinVar aggregate classification (germline): Likely pathogenic (1 of 4 stars; one submission).

Conditions:
Gillespie syndrome (GLSP). Also called: Aniridia, cerebellar ataxia, and mental deficiency; Aniridia-cerebellar ataxia-intellectual disability syndrome. Identifiers: Orphanet 1065, MedGen C0431401, MONDO:0008795, OMIM 206700.

Submission:

HudsonAlpha Institute for Biotechnology
Classification: Likely pathogenic for Gillespie syndrome. Last evaluated: 2021-08-09. Review status: criteria provided, single submitter. Criteria: ACMG Guidelines, 2015. Collection method: research. Allele origin: maternal. Affected: yes. Observed: 1 variant allele. Study: HudsonAlpha-AGHI-WGS.
Comment: ACMG codes:PVS1, PM2